The following is an entry in ClinVar:

NM_001040108.2(MLH3):c.1078G>A (p.Glu360Lys)

Gene: MLH3 (mutL homolog 3; minus strand). Cytogenetic location: 14q24.3.
Variant type: single nucleotide variant.
Coding change: c.1078G>A on transcript NM_001040108.2 (MANE Select); coding-DNA position 1078, G replaced by A.
Protein change: p.Glu360Lys; replaces glutamic acid 360 with lysine.
Molecular consequence: missense variant.
Genome position (GRCh38, 1-based): chr14:75,048,578, C>T on the plus strand (G>A on the coding strand, the complement: MLH3 is on the minus strand). VCF-style: chr14-75048578-C-T. GRCh37 (hg19) VCF-style: chr14-75515281-C-T.
Other names: c.1078G>A, p.Glu360Lys (NM_014381.3); short protein forms E360K.
Identifiers: ClinVar variation 1785460 (VCV001785460.2), dbSNP rs1169587324, ClinGen allele CA390447640.
Genomic context (GRCh38, chr14:75,048,578, plus strand): 5'-TCTGAAGAGTAGCATCAAATAAACTAAAACCATTATCTTCACTAAATTCCTTAATATCCT[C>T]ACCTGATAATTCCACAAATAATTTTTCTTGCTTTAAAAACATTTTCACTCCTTCCTGAAT-3'
Protein context (NP_001035197.1, residues 350-370): QEKLFVELSG[Glu360Lys]DIKEFSEDNG

ClinVar aggregate classification (germline): Uncertain significance (1 of 4 stars; one submission).

Submission:

Ambry Genetics
Classification: Uncertain significance. Last evaluated: 2023-11-05. Review status: criteria provided, single submitter. Criteria: Ambry Variant Classification Scheme 2023. Collection method: clinical testing. Allele origin: germline.
Comment: The p.E360K variant (also known as c.1078G>A), located in coding exon 1 of the MLH3 gene, results from a G to A substitution at nucleotide position 1078. The glutamic acid at codon 360 is replaced by lysine, an amino acid with similar properties. This amino acid position is well conserved in available vertebrate species. In addition, this alteration is predicted to be deleterious by in silico analysis. Since supporting evidence is limited at this time, the clinical significance of this alteration remains unclear.